The following is an entry in ClinVar:

ClinVar aggregate classification (germline): Likely benign. Review status: criteria provided, multiple submitters, no conflicts (2 of 4 stars). 3 submissions from 3 submitters: Likely benign (3). Last evaluated 2024-12-04.

Conditions:
Malignant hyperthermia, susceptibility to, 1 (MHS1). Also called: Malignant hyperthermia suceptibility 1; Anesthesia related hyperthermia; Malignant hyperpyrexia; Fulminating hyperpyrexia; Pharmacogenic myopathy; RYR1-Related Malignant Hyperthermia Susceptibility. Identifiers: Orphanet 423, MedGen C2930980, MONDO:0007783, OMIM 145600.
RYR1-related disorder. Also called: RYR1-related disorders; RYR1-related condition. Identifiers: MedGen CN239331.

gnomAD v4.1: 5 of 1,559,908 alleles (0.00032%); highest among the groups gnomAD compares: Admixed American, 0.0076%; no homozygotes.

Submissions (3):

PreventionGenetics, part of Exact Sciences
Classification: Likely benign for RYR1-related condition. Last evaluated: 2024-12-04. Review status: criteria provided, single submitter. Criteria: ACMG Guidelines, 2015. Collection method: clinical testing. Allele origin: germline.
Comment: This variant is classified as likely benign based on ACMG/AMP sequence variant interpretation guidelines (Richards et al. 2015 PMID: 25741868, with internal and published modifications).

Labcorp Genetics (formerly Invitae), Labcorp
Classification: Likely benign for RYR1-related disorder. Last evaluated: 2024-11-29. Review status: criteria provided, single submitter. Criteria: Invitae Variant Classification Sherloc (09022015). Collection method: clinical testing. Allele origin: germline.

All of Us Research Program, National Institutes of Health
Classification: Likely benign for Malignant hyperthermia, susceptibility to, 1. Last evaluated: 2024-07-20. Review status: criteria provided, single submitter. Criteria: ACMG Guidelines, 2015. Collection method: clinical testing. Allele origin: germline. Inheritance: Autosomal dominant inheritance. Observed: 4 variant alleles, 4 heterozygotes.
Comment: This study involves interpretation of variants in research participants for the purpose of population health screening. Participant phenotype was not available at the time of variant classification. Additional details can be found in publication PMID: 35346344, PMCID: PMC8962531

NM_000540.3(RYR1):c.12741C>A (p.Ala4247=)

Gene: RYR1 (ryanodine receptor 1; plus strand). Cytogenetic location: 19q13.2.
Variant type: single nucleotide variant.
Coding change: c.12741C>A on transcript NM_000540.3 (MANE Select); coding-DNA position 12741, C replaced by A.
Protein change: p.Ala4247=; no amino-acid change (alanine 4247 retained).
Molecular consequence: synonymous variant.
Genome position (GRCh38, 1-based): chr19:38,565,075, C>A. VCF-style: chr19-38565075-C-A. GRCh37 (hg19) VCF-style: chr19-39055715-C-A.
Other names: c.12726C>A, p.Ala4242= (NM_001042723.2); c.12741C>A (NM_000540.2).
Identifiers: ClinVar variation 1603900 (VCV001603900.11), dbSNP rs80039127, ClinGen allele CA507355506.